The following is an entry in ClinVar:

NM_002907.4(RECQL):c.1270T>C (p.Phe424Leu)

Gene: RECQL (RecQ like helicase; minus strand). Cytogenetic location: 12p12.1.
Variant type: single nucleotide variant.
Coding change: c.1270T>C on transcript NM_002907.4 (MANE Select); coding-DNA position 1270, T replaced by C.
Protein change: p.Phe424Leu; replaces phenylalanine 424 with leucine.
Molecular consequence: missense variant.
Genome position (GRCh38, 1-based): chr12:21,474,926, A>G on the plus strand (T>C on the coding strand, the complement: RECQL is on the minus strand). VCF-style: chr12-21474926-A-G. GRCh37 (hg19) VCF-style: chr12-21627860-A-G.
Other names: c.1270T>C, p.Phe424Leu (NM_032941.3); short protein forms F424L.
Identifiers: ClinVar variation 2565570 (VCV002565570.2), dbSNP rs371875016, ClinGen allele CA384118662.

ClinVar aggregate classification (germline): Uncertain significance (1 of 4 stars; one submission).

Submission:

Ambry Genetics
Classification: Uncertain significance. Last evaluated: 2023-04-18. Review status: criteria provided, single submitter. Criteria: Ambry Variant Classification Scheme 2023. Collection method: clinical testing. Allele origin: germline.
Comment: The p.F424L variant (also known as c.1270T>C), located in coding exon 10 of the RECQL gene, results from a T to C substitution at nucleotide position 1270. The phenylalanine at codon 424 is replaced by leucine, an amino acid with highly similar properties. This amino acid position is conserved. In addition, the in silico prediction for this alteration is inconclusive. Since supporting evidence is limited at this time, the clinical significance of this alteration remains unclear.